The following is an entry in ClinVar:

ClinVar aggregate classification (germline): Uncertain significance (1 of 4 stars; one submission).

Conditions:
Inborn genetic diseases. Identifiers: MedGen C0950123, MeSH D030342.

gnomAD v4.1: 1 of 1,612,528 alleles (0.000062%); highest among the groups gnomAD compares: Non-Finnish European, 0.000085%; no homozygotes.

Submission:

Ambry Genetics
Classification: Uncertain significance for Inborn genetic diseases. Last evaluated: 2026-05-04. Review status: criteria provided, single submitter. Criteria: Ambry Variant Classification Scheme 2023. Collection method: clinical testing. Allele origin: germline.
Comment: The p.P179T variant (also known as c.535C>A), located in coding exon 1 of the WT1 gene, results from a C to A substitution at nucleotide position 535. The proline at codon 179 is replaced by threonine, an amino acid with highly similar properties. This amino acid position is conserved. In addition, this alteration is predicted to be tolerated by in silico analysis. Based on the available evidence, the clinical significance of this variant remains unclear.

NM_024426.6(WT1):c.550C>A (p.Pro184Thr)

Genes: WT1 (WT1 transcription factor; minus strand), LOC107982234 (WT1/WT1-AS bi-directional promoter region; plus strand). Cytogenetic location: 11p13.
Variant type: single nucleotide variant.
Coding change: c.550C>A on transcript NM_024426.6 (MANE Select); coding-DNA position 550, C replaced by A.
Protein change: p.Pro184Thr; replaces proline 184 with threonine.
Molecular consequence: missense variant. On other transcripts: non-coding transcript variant (2).
Genome position (GRCh38, 1-based): chr11:32,434,811, G>T on the plus strand (C>A on the coding strand, the complement: WT1 is on the minus strand). VCF-style: chr11-32434811-G-T. GRCh37 (hg19) VCF-style: chr11-32456357-G-T.
Other names: c.550C>A, p.Pro184Thr (NM_001407049.1, NM_001407050.1, NM_024424.5 and 6 more transcripts); c.331C>A, p.Pro111Thr (NM_001429031.1, NM_001429032.1, NM_001429033.1 and 1 more transcripts); short protein forms P111T, P179T, P184T.
Identifiers: ClinVar variation 4866807 (VCV004866807.1).